The following is an entry in ClinVar:

NM_000350.3(ABCA4):c.302+4A>G

Gene: ABCA4 (ATP binding cassette subfamily A member 4; minus strand). Cytogenetic location: 1p22.1.
Variant type: single nucleotide variant.
Coding change: c.302+4A>G on transcript NM_000350.3 (MANE Select); 4 bases into the intron after coding-DNA position 302, A replaced by G.
Molecular consequence: intron variant.
Genome position (GRCh38, 1-based): chr1:94,111,434, T>C on the plus strand (A>G on the coding strand, the complement: ABCA4 is on the minus strand). VCF-style: chr1-94111434-T-C. GRCh37 (hg19) VCF-style: chr1-94576990-T-C.
Identifiers: ClinVar variation 2076682 (VCV002076682.6), dbSNP rs1662599697, ClinGen allele CA2580063336.

ClinVar aggregate classification (germline): Conflicting classifications of pathogenicity. Review status: criteria provided, conflicting classifications (1 of 4 stars). 2 submissions from 2 submitters: Likely pathogenic (1); Uncertain significance (1). Last evaluated 2024-02-29.

Conditions:
Severe early-childhood-onset retinal dystrophy (STGD1). Also called: Stargardt macular dystrophy; Juvenile onset macular degeneration; Stargardt disease 1; MACULAR DYSTROPHY WITH FLECKS, TYPE 1; STGD. Identifiers: Orphanet 364055, Orphanet 827, MedGen C1855465, MeSH D000080362, MONDO:0009549, OMIM 248200.
Age related macular degeneration 2. Also called: MACULAR DEGENERATION, SENILE; MACULOPATHY, AGE-RELATED, 2; MACULOPATHY, AGE-RELATED. Identifiers: MedGen C3495438, MONDO:0007932, OMIM 153800.
Cone-rod dystrophy 3 (CORD3). Identifiers: Orphanet 1872, MedGen C1858806, MONDO:0011395, OMIM 604116.
Retinitis pigmentosa 19 (RP19). Also called: ABCA4-Related Retinitis Pigmentosa. Identifiers: Orphanet 791, MedGen C1866422, MONDO:0011137, OMIM 601718.

Submissions (2):

Labcorp Genetics (formerly Invitae), Labcorp
Classification: Likely pathogenic. Last evaluated: 2024-02-29. Review status: criteria provided, single submitter. Criteria: Invitae Variant Classification Sherloc (09022015). Collection method: clinical testing. Allele origin: germline.
Comment: This sequence change falls in intron 3 of the ABCA4 gene. It does not directly change the encoded amino acid sequence of the ABCA4 protein. It affects a nucleotide within the consensus splice site. This variant is not present in population databases (gnomAD no frequency). This variant has been observed in individuals with ABCA4-related conditions (Invitae). ClinVar contains an entry for this variant (Variation ID: 2076682). Variants that disrupt the consensus splice site are a relatively common cause of aberrant splicing (PMID: 17576681, 9536098). Algorithms developed to predict the effect of sequence changes on RNA splicing suggest that this variant may disrupt the consensus splice site. This variant disrupts the c.302+4A nucleotide in the ABCA4 gene. Other variant(s) that disrupt this nucleotide have been determined to be pathogenic (PMID: 22128245, 29162642). This suggests that this nucleotide is clinically significant, and that variants that disrupt this position are likely to be disease-causing. In summary, the currently available evidence indicates that the variant is pathogenic, but additional data are needed to prove that conclusively. Therefore, this variant has been classified as Likely Pathogenic.

Juno Genomics, Hangzhou Juno Genomics, Inc
Classification: Uncertain significance for Cone-rod dystrophy 3; Severe early-childhood-onset retinal dystrophy; Retinitis pigmentosa 19; Age related macular degeneration 2. Review status: criteria provided, single submitter. Criteria: ACMG Guidelines, 2015. Collection method: clinical testing. Allele origin: germline. Affected: yes.
Comment: Absent from controls (or at extremely low frequency if recessive) in Genome Aggregation Database, Exome Sequencing Project, 1000 Genomes Project, or Exome Aggregation Consortium.;Multiple lines of computational evidence support a deleterious effect on the gene or gene product (conservation, evolutionary, splicing impact, etc).;Patient's phenotype or family history is highly specific for a disease with a single genetic etiology.

Literature cited by the submitters: PubMed 17576681 (cited by Labcorp Genetics (formerly Invitae), Labcorp); PubMed 9536098 (cited by Labcorp Genetics (formerly Invitae), Labcorp); PubMed 22128245 (cited by Labcorp Genetics (formerly Invitae), Labcorp); PubMed 29162642 (cited by Labcorp Genetics (formerly Invitae), Labcorp).